The following is an entry in ClinVar:

NM_001184.4(ATR):c.2225G>A (p.Cys742Tyr)

Gene: ATR (ATR checkpoint kinase; minus strand). Cytogenetic location: 3q23.
Variant type: single nucleotide variant.
Coding change: c.2225G>A on transcript NM_001184.4 (MANE Select); coding-DNA position 2225, G replaced by A.
Protein change: p.Cys742Tyr; replaces cysteine 742 with tyrosine.
Molecular consequence: missense variant.
Genome position (GRCh38, 1-based): chr3:142,555,993, C>T on the plus strand (G>A on the coding strand, the complement: ATR is on the minus strand). VCF-style: chr3-142555993-C-T. GRCh37 (hg19) VCF-style: chr3-142274835-C-T.
Other names: c.2033G>A, p.Cys678Tyr (NM_001354579.2); short protein forms C742Y, C678Y.
Identifiers: ClinVar variation 2587595 (VCV002587595.2), dbSNP rs2108470966, ClinGen allele CA354818721.

ClinVar aggregate classification (germline): Uncertain significance (1 of 4 stars; one submission).

Conditions:
Inborn genetic diseases. Identifiers: MedGen C0950123, MeSH D030342.

Submission:

Ambry Genetics
Classification: Uncertain significance for Inborn genetic diseases. Last evaluated: 2023-09-11. Review status: criteria provided, single submitter. Criteria: Ambry Variant Classification Scheme 2023. Collection method: clinical testing. Allele origin: germline.
Comment: The p.C742Y variant (also known as c.2225G>A), located in coding exon 10 of the ATR gene, results from a G to A substitution at nucleotide position 2225. The cysteine at codon 742 is replaced by tyrosine, an amino acid with highly dissimilar properties. This amino acid position is conserved. In addition, this alteration is predicted to be deleterious by in silico analysis. Since supporting evidence is limited at this time, the clinical significance of this alteration remains unclear.